The following is an entry in ClinVar:

ClinVar aggregate classification (germline): Uncertain significance (1 of 4 stars; one submission).

Conditions:
Early-infantile DEE. Also called: Ohtahara syndrome; Early infantile epileptic encephalopathy with suppression bursts; Early infantile epileptic encephalopathy. Identifiers: Orphanet 1934, MedGen C0393706, MONDO:0800491.

Submission:

Labcorp Genetics (formerly Invitae), Labcorp
Classification: Uncertain significance for Early-infantile DEE. Last evaluated: 2023-10-03. Review status: criteria provided, single submitter. Criteria: Invitae Variant Classification Sherloc (09022015). Collection method: clinical testing. Allele origin: germline.
Comment: This sequence change replaces glycine, which is neutral and non-polar, with aspartic acid, which is acidic and polar, at codon 60 of the KCNQ2 protein (p.Gly60Asp). This variant is not present in population databases (gnomAD no frequency). This variant has not been reported in the literature in individuals affected with KCNQ2-related conditions. Advanced modeling of protein sequence and biophysical properties (such as structural, functional, and spatial information, amino acid conservation, physicochemical variation, residue mobility, and thermodynamic stability) has been performed at Invitae for this missense variant, however the output from this modeling did not meet the statistical confidence thresholds required to predict the impact of this variant on KCNQ2 protein function. In summary, the available evidence is currently insufficient to determine the role of this variant in disease. Therefore, it has been classified as a Variant of Uncertain Significance.

NM_172107.4(KCNQ2):c.179G>A (p.Gly60Asp)

Gene: KCNQ2 (potassium voltage-gated channel subfamily Q member 2; minus strand). Cytogenetic location: 20q13.33.
Variant type: single nucleotide variant.
Coding change: c.179G>A on transcript NM_172107.4 (MANE Select); coding-DNA position 179, G replaced by A.
Protein change: p.Gly60Asp; replaces glycine 60 with aspartic acid.
Molecular consequence: missense variant.
Genome position (GRCh38, 1-based): chr20:63,472,285, C>T on the plus strand (G>A on the coding strand, the complement: KCNQ2 is on the minus strand). VCF-style: chr20-63472285-C-T. GRCh37 (hg19) VCF-style: chr20-62103638-C-T.
Other names: c.179G>A, p.Gly60Asp (NM_001382235.1, NM_004518.6, NM_172106.3 and 2 more transcripts); short protein forms G60D.
Identifiers: ClinVar variation 2862550 (VCV002862550.3), dbSNP rs2082236203, ClinGen allele CA409635298.
Genomic context (GRCh38, chr20:63,472,285, plus strand): 5'-AAATTCTGCAGCTTGCGGTAGAAGGCGTTGCGCTTGGGGGGCTTCCCGGCGCCCGCGCCG[C>T]CCGCGCGAGGTTTGCTGAGGATGCTGCCGCGCTTGGGGGCCTCGGAGCCGGCGATCAGCA-3'
Protein context (NP_742105.1, residues 50-70): RGSILSKPRA[Gly60Asp]GAGAGKPPKR